The following is an entry in ClinVar:

ClinVar aggregate classification (germline): Likely pathogenic (1 of 4 stars; one submission).

Conditions:
Familial cancer of breast. Also called: Hereditary breast cancer; BREAST CANCER, FAMILIAL; hereditary breast carcinoma. Identifiers: Orphanet 227535, MedGen C0346153, MONDO:0016419, OMIM 114480. Disease mechanism: loss of function.

Submission:

Myriad Genetics, Inc.
Classification: Likely pathogenic for Familial cancer of breast. Last evaluated: 2023-09-14. Review status: criteria provided, single submitter. Criteria: Myriad Autosomal Dominant, Autosomal Recessive and X-Linked Classification Criteria (2023). Collection method: clinical testing. Allele origin: unknown.
Comment: This variant is considered likely pathogenic. This variant occurs within a consensus splice junction and is predicted to result in abnormal mRNA splicing of either an out-of-frame exon or an in-frame exon necessary for protein stability and/or normal function.

NM_024675.4(PALB2):c.3114-57_3120del

Gene: PALB2 (partner and localizer of BRCA2; minus strand). Cytogenetic location: 16p12.2.
Variant type: Deletion.
Coding change: c.3114-57_3120del on transcript NM_024675.4 (MANE Select); 57 bases into the intron before coding-DNA position 3114 through coding-DNA position 3120, 64 bases deleted.
Molecular consequence: splice acceptor variant. On other transcripts: intron variant (3).
Genome position (GRCh38, 1-based): chr16:23,614,085-23,614,148, 64 bases deleted. GRCh37 (hg19): chr16:23,625,406-23,625,469.
Other names: c.2228+7214_2228+7277del (NM_001407308.1, NM_001407309.1); c.2229-57_2235del (NM_001407306.1, NM_001407311.1, NM_001407305.1 and 2 more transcripts); c.648-57_654del (NM_001407314.1); c.1326-57_1332del (NM_001407313.1, NM_001407312.1); c.3054-57_3060del (NM_001407296.1); c.3042-57_3048del (NM_001407297.1); c.2952-57_2958del (NM_001407302.1, NM_001407298.1); c.2835-57_2841del (NM_001407300.1); and 3 more.
Identifiers: ClinVar variation 2673839 (VCV002673839.1), dbSNP rs2506267514, ClinGen allele CA2695197606.